The following is an entry in ClinVar:

NM_000030.3(AGXT):c.876C>A (p.Arg292=)

Gene: AGXT (alanine--glyoxylate aminotransferase; plus strand). Cytogenetic location: 2q37.3.
Variant type: single nucleotide variant.
Coding change: c.876C>A on transcript NM_000030.3 (MANE Select); coding-DNA position 876, C replaced by A.
Protein change: p.Arg292=; no amino-acid change (arginine 292 retained).
Molecular consequence: synonymous variant.
Genome position (GRCh38, 1-based): chr2:240,877,566, C>A. VCF-style: chr2-240877566-C-A. GRCh37 (hg19) VCF-style: chr2-241816983-C-A.
Identifiers: ClinVar variation 733269 (VCV000733269.12), dbSNP rs763852365, ClinGen allele CA2209327.

ClinVar aggregate classification (germline): Likely benign. Review status: criteria provided, multiple submitters, no conflicts (2 of 4 stars). 3 submissions from 3 submitters: Likely benign (2). 1 of the submissions does not count toward it. Last evaluated 2026-08-27.

Conditions:
AGXT-related disorder. Also called: AGXT-related condition.
Primary hyperoxaluria, type I (HP1). Also called: GLYCOLIC ACIDURIA; HEPATIC AGT DEFICIENCY; OXALOSIS I; Primary hyperoxaluria type 1. Identifiers: Orphanet 416, Orphanet 93598, MedGen C0268164, MONDO:0009823, OMIM 259900. Disease mechanism: loss of function.

Allele frequency attached by ClinVar (database versions not stated): TOPMed 0.00004.

Submissions (3):

PreventionGenetics, part of Exact Sciences
Classification: Likely benign for AGXT-related condition. Last evaluated: 2026-08-27. Review status: criteria provided, single submitter. Criteria: ACMG Guidelines, 2015. Collection method: clinical testing. Allele origin: germline.
Comment: This variant is classified as likely benign based on ACMG/AMP sequence variant interpretation guidelines (Richards et al. 2015 PMID: 25741868, with internal and published modifications).

Labcorp Genetics (formerly Invitae), Labcorp
Classification: Likely benign. Last evaluated: 2026-01-18. Review status: criteria provided, single submitter. Criteria: Invitae Variant Classification Sherloc (09022015). Collection method: clinical testing. Allele origin: germline.

Natera, Inc.
Classification: Uncertain significance for Primary hyperoxaluria type I. Last evaluated: 2020-02-13. Review status: no assertion criteria provided. Collection method: clinical testing. Allele origin: germline. Not counted in ClinVar's aggregate classification.